The following is an entry in ClinVar:

ClinVar aggregate classification (germline): Uncertain significance. Review status: criteria provided, multiple submitters, no conflicts (2 of 4 stars). 2 submissions from 2 submitters: Uncertain significance (2). Last evaluated 2025-10-14.

Conditions:
Inborn genetic diseases. Identifiers: MedGen C0950123, MeSH D030342.
Brachyolmia-amelogenesis imperfecta syndrome. Also called: PLATYSPONDYLY WITH AMELOGENESIS IMPERFECTA; Tooth agenesis, selective, 6; Dental anomalies and short stature. Identifiers: Orphanet 2899, MedGen C1832594, MONDO:0011018, OMIM 601216. Disease mechanism: loss of function.

Allele frequency attached by ClinVar (database versions not stated): TOPMed below 0.00001; gnomAD 0.00001.
gnomAD v4.1: 3 of 1,602,058 alleles (0.00019%); highest among the groups gnomAD compares: Non-Finnish European, 0.00025%; no homozygotes.

Submissions (2):

Ambry Genetics
Classification: Uncertain significance for Inborn genetic diseases. Last evaluated: 2025-10-14. Review status: criteria provided, single submitter. Criteria: Ambry Variant Classification Scheme 2023. Collection method: clinical testing. Allele origin: germline.
Comment: The p.D744E variant (also known as c.2232C>A), located in coding exon 16 of the LTBP3 gene, results from a C to A substitution at nucleotide position 2232. The aspartic acid at codon 744 is replaced by glutamic acid, an amino acid with highly similar properties. This amino acid position is conserved. In addition, the in silico prediction for this alteration is inconclusive. Based on the available evidence, the clinical significance of this variant remains unclear.

Labcorp Genetics (formerly Invitae), Labcorp
Classification: Uncertain significance for Brachyolmia-amelogenesis imperfecta syndrome. Last evaluated: 2018-08-07. Review status: criteria provided, single submitter. Criteria: Invitae Variant Classification Sherloc (09022015). Collection method: clinical testing. Allele origin: germline.
Comment: In summary, the available evidence is currently insufficient to determine the role of this variant in disease. Therefore, it has been classified as a Variant of Uncertain Significance. Algorithms developed to predict the effect of missense changes on protein structure and function are either unavailable or do not agree on the potential impact of this missense change (SIFT: "Tolerated"; PolyPhen-2: "Probably Damaging"; Align-GVGD: "Class C0"). This variant has not been reported in the literature in individuals with LTBP3-related disease. This variant is not present in population databases (ExAC no frequency). This sequence change replaces aspartic acid with glutamic acid at codon 744 of the LTBP3 protein (p.Asp744Glu). The aspartic acid residue is highly conserved and there is a small physicochemical difference between aspartic acid and glutamic acid.

NM_001130144.3(LTBP3):c.2232C>A (p.Asp744Glu)

Genes: LTBP3 (latent transforming growth factor beta binding protein 3; minus strand), LOC130006029 (ATAC-STARR-seq lymphoblastoid silent region 3532; plus strand). Cytogenetic location: 11q13.1.
Variant type: single nucleotide variant.
Coding change: c.2232C>A on transcript NM_001130144.3 (MANE Select); coding-DNA position 2232, C replaced by A.
Protein change: p.Asp744Glu; replaces aspartic acid 744 with glutamic acid.
Molecular consequence: missense variant.
Genome position (GRCh38, 1-based): chr11:65,546,563, G>T on the plus strand (C>A on the coding strand, the complement: LTBP3 is on the minus strand). VCF-style: chr11-65546563-G-T. GRCh37 (hg19) VCF-style: chr11-65314034-G-T.
Other names: c.1881C>A, p.Asp627Glu (NM_001164266.1); c.2232C>A, p.Asp744Glu (NM_021070.4); short protein forms D744E, D627E.
Identifiers: ClinVar variation 658909 (VCV000658909.10), dbSNP rs1301932570, ClinGen allele CA381269831.